The following is an entry in ClinVar:

ClinVar aggregate classification (germline): Conflicting classifications of pathogenicity. Review status: criteria provided, conflicting classifications (1 of 4 stars). 2 submissions from 2 submitters: Uncertain significance (1); Likely benign (1). Last evaluated 2025-12-24.

Conditions:
Inborn genetic diseases. Identifiers: MedGen C0950123, MeSH D030342.

gnomAD v4.1: 1 of 1,614,000 alleles (0.000062%); highest among the groups gnomAD compares: Admixed American, 0.0017%; no homozygotes.

Submissions (2):

Labcorp Genetics (formerly Invitae), Labcorp
Classification: Uncertain significance. Last evaluated: 2025-12-24. Review status: criteria provided, single submitter. Criteria: Invitae Variant Classification Sherloc (09022015). Collection method: clinical testing. Allele origin: germline.
Comment: This sequence change replaces isoleucine, which is neutral and non-polar, with leucine, which is neutral and non-polar, at codon 4582 of the MACF1 protein (p.Ile4582Leu). This variant is not present in population databases (gnomAD no frequency). This variant has not been reported in the literature in individuals affected with MACF1-related conditions. ClinVar contains an entry for this variant (Variation ID: 2210566). An algorithm developed to predict the effect of missense changes on protein structure and function (PolyPhen-2) suggests that this variant is likely to be tolerated. In summary, the available evidence is currently insufficient to determine the role of this variant in disease. Therefore, it has been classified as a Variant of Uncertain Significance.

Ambry Genetics
Classification: Likely benign for Inborn genetic diseases. Last evaluated: 2024-07-08. Review status: criteria provided, single submitter. Criteria: Ambry Variant Classification Scheme 2023. Collection method: clinical testing. Allele origin: germline.

NM_001394062.1(MACF1):c.19921A>C (p.Ile6641Leu)

Gene: MACF1 (microtubule actin crosslinking factor 1; plus strand). Cytogenetic location: 1p34.3.
Variant type: single nucleotide variant.
Coding change: c.19921A>C on transcript NM_001394062.1 (MANE Select); coding-DNA position 19921, A replaced by C.
Protein change: p.Ile6641Leu; replaces isoleucine 6641 with leucine.
Molecular consequence: missense variant.
Genome position (GRCh38, 1-based): chr1:39,447,851, A>C. VCF-style: chr1-39447851-A-C. GRCh37 (hg19) VCF-style: chr1-39913523-A-C.
Other names: c.7999A>C, p.Ile2667Leu (NM_001397473.1); c.13744A>C, p.Ile4582Leu (NM_012090.5); short protein forms I4582L, I2667L, I6641L.
Identifiers: ClinVar variation 2210566 (VCV002210566.4), dbSNP rs747821144, ClinGen allele CA339820108.